The following is an entry in ClinVar:

NM_000264.5(PTCH1):c.1283A>G (p.Asp428Gly)

Gene: PTCH1 (patched 1; minus strand). Cytogenetic location: 9q22.32.
Variant type: single nucleotide variant.
Coding change: c.1283A>G on transcript NM_000264.5 (MANE Select); coding-DNA position 1283, A replaced by G.
Protein change: p.Asp428Gly; replaces aspartic acid 428 with glycine.
Molecular consequence: missense variant. On other transcripts: non-coding transcript variant (1).
Genome position (GRCh38, 1-based): chr9:95,478,119, T>C on the plus strand (A>G on the coding strand, the complement: PTCH1 is on the minus strand). VCF-style: chr9-95478119-T-C. GRCh37 (hg19) VCF-style: chr9-98240401-T-C.
Other names: c.1085A>G, p.Asp362Gly (NM_001083602.3); c.1280A>G, p.Asp427Gly (NM_001083603.3); c.830A>G, p.Asp277Gly (NM_001083604.3, NM_001083605.3, NM_001083606.3 and 1 more transcripts); c.1283A>G, p.Asp428Gly (NM_001354918.2); short protein forms D362G, D428G, D427G, D277G.
Identifiers: ClinVar variation 453781 (VCV000453781.12), dbSNP rs1554698835, ClinGen allele CA374118834.

ClinVar aggregate classification (germline): Uncertain significance. Review status: criteria provided, multiple submitters, no conflicts (2 of 4 stars). 3 submissions from 3 submitters: Uncertain significance (3). Last evaluated 2025-11-24.

Conditions:
Hereditary cancer-predisposing syndrome. Also called: Tumor predisposition; Hereditary Cancer Syndrome; Neoplastic Syndromes, Hereditary; Hereditary neoplastic syndrome. Identifiers: Orphanet 140162, MedGen C0027672, MeSH D009386, MONDO:0015356.
Gorlin syndrome. Also called: Basal cell nevus syndrome; Nevoid Basal Cell Carcinoma Syndrome. Identifiers: Orphanet 377, MedGen C0004779, MONDO:0007187.

Submissions (3):

Labcorp Genetics (formerly Invitae), Labcorp
Classification: Uncertain significance for Gorlin syndrome. Last evaluated: 2025-11-24. Review status: criteria provided, single submitter. Criteria: Invitae Variant Classification Sherloc (09022015). Collection method: clinical testing. Allele origin: germline.
Comment: This sequence change replaces aspartic acid, which is acidic and polar, with glycine, which is neutral and non-polar, at codon 428 of the PTCH1 protein (p.Asp428Gly). This variant is not present in population databases (gnomAD no frequency). This variant has not been reported in the literature in individuals affected with PTCH1-related conditions. ClinVar contains an entry for this variant (Variation ID: 453781). Invitae Evidence Modeling of protein sequence and biophysical properties (such as structural, functional, and spatial information, amino acid conservation, physicochemical variation, residue mobility, and thermodynamic stability) indicates that this missense variant is not expected to disrupt PTCH1 protein function with a negative predictive value of 95%. In summary, the available evidence is currently insufficient to determine the role of this variant in disease. Therefore, it has been classified as a Variant of Uncertain Significance.

Ambry Genetics
Classification: Uncertain significance for Hereditary cancer-predisposing syndrome. Last evaluated: 2025-03-10. Review status: criteria provided, single submitter. Criteria: Ambry Variant Classification Scheme 2023. Collection method: clinical testing. Allele origin: germline.
Comment: The p.D428G variant (also known as c.1283A>G), located in coding exon 9 of the PTCH1 gene, results from an A to G substitution at nucleotide position 1283. The aspartic acid at codon 428 is replaced by glycine, an amino acid with similar properties. This amino acid position is not well conserved in available vertebrate species. In addition, the in silico prediction for this alteration is inconclusive. Based on the available evidence, the clinical significance of this variant remains unclear.

GeneDx
Classification: Uncertain significance. Last evaluated: 2023-06-07. Review status: criteria provided, single submitter. Criteria: GeneDx Variant Classification Process June 2021. Collection method: clinical testing. Allele origin: germline. Affected: yes.
Comment: Not observed at significant frequency in large population cohorts (gnomAD); In silico analysis supports that this missense variant has a deleterious effect on protein structure/function; Has not been previously published as pathogenic or benign to our knowledge